The following is an entry in ClinVar:

ClinVar aggregate classification (germline): Likely benign (1 of 4 stars; one submission).

gnomAD v4.1: 9 of 1,003,816 alleles (0.0009%); highest among the groups gnomAD compares: South Asian, 0.0058%; no homozygotes.

Submission:

CeGaT Center for Human Genetics Tuebingen
Classification: Likely benign. Last evaluated: 2026-01-01. Review status: criteria provided, single submitter. Criteria: CeGaT Center For Human Genetics Tuebingen Variant Classification Criteria Version 2. Collection method: clinical testing. Allele origin: germline. Affected: yes. Observed: 1 variant allele.
Comment: GUCY2F: BP4, BS2

NM_001522.3(GUCY2F):c.1474C>T (p.Arg492Cys)

Gene: GUCY2F (guanylate cyclase 2F, retinal; minus strand). Cytogenetic location: Xq23.
Variant type: single nucleotide variant.
Coding change: c.1474C>T on transcript NM_001522.3 (MANE Select); coding-DNA position 1474, C replaced by T.
Protein change: p.Arg492Cys; replaces arginine 492 with cysteine.
Molecular consequence: missense variant.
Genome position (GRCh38, 1-based): chrX:109,448,164, G>A on the plus strand (C>T on the coding strand, the complement: GUCY2F is on the minus strand). VCF-style: chrX-109448164-G-A. GRCh37 (hg19) VCF-style: chrX-108691393-G-A.
Other names: short protein forms R492C.
Identifiers: ClinVar variation 4823139 (VCV004823139.4).